The following is an entry in ClinVar:

ClinVar aggregate classification (germline): Conflicting classifications of pathogenicity. Review status: criteria provided, conflicting classifications (1 of 4 stars). 3 submissions from 3 submitters: Uncertain significance (2); Likely benign (1). Last evaluated 2026-01-01.

Conditions:
Basilicata-Akhtar syndrome. Also called: MENTAL RETARDATION, X-LINKED, SYNDROMIC, BASILICATA-AKHTAR TYPE; INTELLECTUAL DEVELOPMENTAL DISORDER, X-LINKED, SYNDROMIC, 36. Identifiers: MedGen C5231394, MONDO:0026730, OMIM 301032.

gnomAD v4.1: 28 of 1,199,075 alleles (0.0023%); highest among the groups gnomAD compares: Non-Finnish European, 0.003%; no homozygotes.

Submissions (3):

CeGaT Center for Human Genetics Tuebingen
Classification: Likely benign. Last evaluated: 2026-01-01. Review status: criteria provided, single submitter. Criteria: CeGaT Center For Human Genetics Tuebingen Variant Classification Criteria Version 2. Collection method: clinical testing. Allele origin: germline. Affected: yes. Observed: 1 variant allele.
Comment: MSL3: BS2

Department of Pathology and Laboratory Medicine, Sinai Health System
Classification: Uncertain significance for Basilicata-Akhtar syndrome. Last evaluated: 2022-11-02. Review status: criteria provided, single submitter. Criteria: ACMG Guidelines, 2015. Collection method: research. Allele origin: germline.

Blueprint Genetics
Classification: Uncertain significance. Last evaluated: 2022-05-04. Review status: criteria provided, single submitter. Criteria: ACMG Guidelines, 2015. Collection method: clinical testing. Allele origin: germline.

NM_078629.4(MSL3):c.311G>A (p.Cys104Tyr)

Gene: MSL3 (MSL complex subunit 3; plus strand). Cytogenetic location: Xp22.2.
Variant type: single nucleotide variant.
Coding change: c.311G>A on transcript NM_078629.4 (MANE Select); coding-DNA position 311, G replaced by A.
Protein change: p.Cys104Tyr; replaces cysteine 104 with tyrosine.
Molecular consequence: missense variant. On other transcripts: 5 prime UTR variant (2).
Genome position (GRCh38, 1-based): chrX:11,760,866, G>A. VCF-style: chrX-11760866-G-A. GRCh37 (hg19) VCF-style: chrX-11778985-G-A.
Other names: c.275G>A, p.Cys92Tyr (NM_001193270.2); c.-54G>A (NM_001282174.1); c.-188G>A (NM_006800.4); c.311G>A, p.Cys104Tyr (NM_078628.2); short protein forms C92Y, C104Y.
Identifiers: ClinVar variation 3891744 (VCV003891744.6).